The following is an entry in ClinVar:

ClinVar aggregate classification (germline): Uncertain significance (1 of 4 stars; one submission).

Submission:

Labcorp Genetics (formerly Invitae), Labcorp
Classification: Uncertain significance. Last evaluated: 2022-10-21. Review status: criteria provided, single submitter. Criteria: Invitae Variant Classification Sherloc (09022015). Collection method: clinical testing. Allele origin: germline.
Comment: This sequence change replaces valine, which is neutral and non-polar, with leucine, which is neutral and non-polar, at codon 118 of the REST protein (p.Val118Leu). This variant is not present in population databases (gnomAD no frequency). This variant has not been reported in the literature in individuals affected with REST-related conditions. Algorithms developed to predict the effect of missense changes on protein structure and function (SIFT, PolyPhen-2, Align-GVGD) all suggest that this variant is likely to be tolerated. In summary, the available evidence is currently insufficient to determine the role of this variant in disease. Therefore, it has been classified as a Variant of Uncertain Significance.

NM_005612.5(REST):c.352G>C (p.Val118Leu)

Gene: REST (RE1 silencing transcription factor; plus strand). Cytogenetic location: 4q12.
Variant type: single nucleotide variant.
Coding change: c.352G>C on transcript NM_005612.5 (MANE Select); coding-DNA position 352, G replaced by C.
Protein change: p.Val118Leu; replaces valine 118 with leucine.
Molecular consequence: missense variant.
Genome position (GRCh38, 1-based): chr4:56,910,990, G>C. VCF-style: chr4-56910990-G-C. GRCh37 (hg19) VCF-style: chr4-57777156-G-C.
Other names: c.352G>C, p.Val118Leu (NM_001193508.2, NM_001363453.3); short protein forms V118L.
Identifiers: ClinVar variation 1722035 (VCV001722035.5), dbSNP rs940245420, ClinGen allele CA357003527.